The following is an entry in ClinVar:

ClinVar aggregate classification (germline): Likely benign (0 of 4 stars; one submission).

Conditions:
ERC1-related disorder. Also called: ERC1-related condition.

Allele frequency attached by ClinVar (database versions not stated): 1000 Genomes Project 30x 0.00016; 1000 Genomes Project 0.00020; ExAC 0.00088; gnomAD 0.00107; TOPMed 0.00113; ESP Exome Variant Server 0.00123; gnomAD exomes 0.00226.
gnomAD v4.1: 3,444 of 1,614,166 alleles (0.21%); highest among the groups gnomAD compares: Non-Finnish European, 0.27%; 6 homozygotes.

Submission:

PreventionGenetics, part of Exact Sciences
Classification: Likely benign for ERC1-related condition. Last evaluated: 2019-02-22. Review status: no assertion criteria provided. Collection method: clinical testing. Allele origin: germline.
Comment: This variant is classified as likely benign based on ACMG/AMP sequence variant interpretation guidelines (Richards et al. 2015 PMID: 25741868, with internal and published modifications).

NM_178040.4(ERC1):c.300C>T (p.Tyr100=)

Gene: ERC1 (ELKS/RAB6-interacting/CAST family member 1; plus strand). Cytogenetic location: 12p13.33.
Variant type: single nucleotide variant.
Coding change: c.300C>T on transcript NM_178040.4 (MANE Select); coding-DNA position 300, C replaced by T.
Protein change: p.Tyr100=; no amino-acid change (tyrosine 100 retained).
Molecular consequence: synonymous variant. On other transcripts: non-coding transcript variant (3).
Genome position (GRCh38, 1-based): chr12:1,028,203, C>T. VCF-style: chr12-1028203-C-T. GRCh37 (hg19) VCF-style: chr12-1137369-C-T.
Other names: c.300C>T, p.Tyr100= (NM_001301248.1, NM_015064.2, NM_178037.1 and 1 more transcripts).
Identifiers: ClinVar variation 3038730 (VCV003038730.2), dbSNP rs138791726, ClinGen allele CA6384225.
Genomic context (GRCh38, chr12:1,028,203, plus strand): 5'-GGGTTCAGAAACACCTAAAAGCACCATGACACTTGGCCGTTCTGGGGGACGTCTGCCTTA[C>T]GGTGTTCGGATGACTGCTATGGGTAGTAGCCCCAATATAGCTAGCAGTGGGGTTGCTAGT-3'
Protein context (NP_829884.1, residues 90-110): TLGRSGGRLP[Tyr100=]GVRMTAMGSS